The following is an entry in ClinVar:

NM_001085487.3(MYSM1):c.44T>C (p.Val15Ala)

Genes: MYSM1 (Myb like, SWIRM and MPN domains 1; minus strand), LOC129930616 (ATAC-STARR-seq lymphoblastoid active region 1087; plus strand). Cytogenetic location: 1p32.1.
Variant type: single nucleotide variant.
Coding change: c.44T>C on transcript NM_001085487.3 (MANE Select); coding-DNA position 44, T replaced by C.
Protein change: p.Val15Ala; replaces valine 15 with alanine.
Molecular consequence: missense variant.
Genome position (GRCh38, 1-based): chr1:58,700,009, A>G on the plus strand (T>C on the coding strand, the complement: MYSM1 is on the minus strand). VCF-style: chr1-58700009-A-G. GRCh37 (hg19) VCF-style: chr1-59165681-A-G.
Other names: short protein forms V15A.
Identifiers: ClinVar variation 1407252 (VCV001407252.6), dbSNP rs751146839, ClinGen allele CA340534511.

ClinVar aggregate classification (germline): Uncertain significance (1 of 4 stars; one submission).

gnomAD v4.1: 6 of 1,613,534 alleles (0.00037%); highest among the groups gnomAD compares: East Asian, 0.013%; no homozygotes.

Submission:

Labcorp Genetics (formerly Invitae), Labcorp
Classification: Uncertain significance. Last evaluated: 2024-12-07. Review status: criteria provided, single submitter. Criteria: Invitae Variant Classification Sherloc (09022015). Collection method: clinical testing. Allele origin: germline.
Comment: This sequence change replaces valine, which is neutral and non-polar, with alanine, which is neutral and non-polar, at codon 15 of the MYSM1 protein (p.Val15Ala). This variant is present in population databases (no rsID available, gnomAD 0.02%). This variant has not been reported in the literature in individuals affected with MYSM1-related conditions. ClinVar contains an entry for this variant (Variation ID: 1407252). Invitae Evidence Modeling of protein sequence and biophysical properties (such as structural, functional, and spatial information, amino acid conservation, physicochemical variation, residue mobility, and thermodynamic stability) indicates that this missense variant is not expected to disrupt MYSM1 protein function with a negative predictive value of 80%. In summary, the available evidence is currently insufficient to determine the role of this variant in disease. Therefore, it has been classified as a Variant of Uncertain Significance.